The following is an entry in ClinVar:

ClinVar aggregate classification (germline): Uncertain significance (1 of 4 stars; one submission).

Conditions:
Pyridoxine-dependent epilepsy (EPEO4). Also called: Pyridoxine-Dependent Epilepsy - ALDH7A1; PYRIDOXINE DEPENDENCY WITH SEIZURES; EPILEPSY, EARLY-ONSET, 4, VITAMIN B6-DEPENDENT; Pyridoxine-Dependent Seizures. Identifiers: Orphanet 3006, MedGen C1849508, MONDO:0009945, OMIM 266100. Disease mechanism: loss of function.

gnomAD v4.1: 7 of 1,613,994 alleles (0.00043%); highest among the groups gnomAD compares: Non-Finnish European, 0.00059%; no homozygotes.

Submission:

Labcorp Genetics (formerly Invitae), Labcorp
Classification: Uncertain significance for Pyridoxine-dependent epilepsy. Last evaluated: 2022-07-25. Review status: criteria provided, single submitter. Criteria: Invitae Variant Classification Sherloc (09022015). Collection method: clinical testing. Allele origin: germline.
Comment: This variant has not been reported in the literature in individuals affected with ALDH7A1-related conditions. This variant is not present in population databases (gnomAD no frequency). This sequence change replaces proline, which is neutral and non-polar, with threonine, which is neutral and polar, at codon 473 of the ALDH7A1 protein (p.Pro473Thr). ClinVar contains an entry for this variant (Variation ID: 1365669). In summary, the available evidence is currently insufficient to determine the role of this variant in disease. Therefore, it has been classified as a Variant of Uncertain Significance. Algorithms developed to predict the effect of missense changes on protein structure and function are either unavailable or do not agree on the potential impact of this missense change (SIFT: "Deleterious"; PolyPhen-2: "Probably Damaging"; Align-GVGD: "Class C0").

NM_001182.5(ALDH7A1):c.1417C>A (p.Pro473Thr)

Gene: ALDH7A1 (aldehyde dehydrogenase 7 family member A1; minus strand). Cytogenetic location: 5q23.2.
Variant type: single nucleotide variant.
Coding change: c.1417C>A on transcript NM_001182.5 (MANE Select); coding-DNA position 1417, C replaced by A.
Protein change: p.Pro473Thr; replaces proline 473 with threonine.
Molecular consequence: missense variant.
Genome position (GRCh38, 1-based): chr5:126,550,001, G>T on the plus strand (C>A on the coding strand, the complement: ALDH7A1 is on the minus strand). VCF-style: chr5-126550001-G-T. GRCh37 (hg19) VCF-style: chr5-125885693-G-T.
Other names: c.1333C>A, p.Pro445Thr (NM_001201377.2); c.1225C>A, p.Pro409Thr (NM_001202404.2); short protein forms P473T, P409T, P445T.
Identifiers: ClinVar variation 1365669 (VCV001365669.8), dbSNP rs2112752456, ClinGen allele CA360721237.